The following is an entry in ClinVar:

NM_024678.6(NARS2):c.688G>C (p.Gly230Arg)

Gene: NARS2 (asparaginyl-tRNA synthetase 2, mitochondrial; minus strand). Cytogenetic location: 11q14.1.
Variant type: single nucleotide variant.
Coding change: c.688G>C on transcript NM_024678.6 (MANE Select); coding-DNA position 688, G replaced by C.
Protein change: p.Gly230Arg; replaces glycine 230 with arginine.
Molecular consequence: missense variant.
Genome position (GRCh38, 1-based): chr11:78,528,843, C>G on the plus strand (G>C on the coding strand, the complement: NARS2 is on the minus strand). VCF-style: chr11-78528843-C-G. GRCh37 (hg19) VCF-style: chr11-78239889-C-G.
Other names: c.7G>C, p.Gly3Arg (NM_001243251.2); short protein forms G230R, G3R.
Identifiers: ClinVar variation 426148 (VCV000426148.12), dbSNP rs190014304, ClinGen allele CA6205759.

ClinVar aggregate classification (germline): Uncertain significance. Review status: criteria provided, multiple submitters, no conflicts (2 of 4 stars). 3 submissions from 3 submitters: Uncertain significance (3). Last evaluated 2025-10-10.

Allele frequency attached by ClinVar (database versions not stated): TOPMed 0.00006; gnomAD exomes 0.00007; ESP Exome Variant Server 0.00008; gnomAD 0.00009; ExAC 0.00012; 1000 Genomes Project 0.00020; 1000 Genomes Project 30x 0.00031.
gnomAD v4.1: 101 of 1,601,564 alleles (0.0063%); highest among the groups gnomAD compares: Non-Finnish European, 0.0078%; no homozygotes.

Submissions (3):

GeneDx
Classification: Uncertain significance. Last evaluated: 2025-10-10. Review status: criteria provided, single submitter. Criteria: GeneDx Variant Classification Process June 2021. Collection method: clinical testing. Allele origin: germline. Affected: yes.
Comment: Not observed at significant frequency in large population cohorts (gnomAD); In silico analysis suggests that this missense variant does not alter protein structure/function; Has not been previously published as pathogenic or benign to our knowledge

Labcorp Genetics (formerly Invitae), Labcorp
Classification: Uncertain significance. Last evaluated: 2025-02-17. Review status: criteria provided, single submitter. Criteria: Invitae Variant Classification Sherloc (09022015). Collection method: clinical testing. Allele origin: germline.
Comment: This sequence change replaces glycine, which is neutral and non-polar, with arginine, which is basic and polar, at codon 230 of the NARS2 protein (p.Gly230Arg). This variant is present in population databases (rs190014304, gnomAD 0.01%). This variant has not been reported in the literature in individuals affected with NARS2-related conditions. ClinVar contains an entry for this variant (Variation ID: 426148). An algorithm developed to predict the effect of missense changes on protein structure and function (PolyPhen-2) suggests that this variant is likely to be tolerated. In summary, the available evidence is currently insufficient to determine the role of this variant in disease. Therefore, it has been classified as a Variant of Uncertain Significance.

Blueprint Genetics
Classification: Uncertain significance. Last evaluated: 2024-09-17. Review status: criteria provided, single submitter. Criteria: ACMG Guidelines, 2015. Collection method: clinical testing. Allele origin: germline.